The following is an entry in ClinVar:

NM_012454.4(TIAM2):c.2924C>T (p.Pro975Leu)

Gene: TIAM2 (TIAM Rac1 associated GEF 2; plus strand). Cytogenetic location: 6q25.2.
Variant type: single nucleotide variant.
Coding change: c.2924C>T on transcript NM_012454.4 (MANE Select); coding-DNA position 2924, C replaced by T.
Protein change: p.Pro975Leu; replaces proline 975 with leucine.
Molecular consequence: missense variant.
Genome position (GRCh38, 1-based): chr6:155,183,360, C>T. VCF-style: chr6-155183360-C-T. GRCh37 (hg19) VCF-style: chr6-155504494-C-T.
Other names: c.2924C>T, p.Pro975Leu (NM_001384546.1, NM_001384547.1); short protein forms P975L.
Identifiers: ClinVar variation 2657047 (VCV002657047.24), dbSNP rs955780322, ClinGen allele CA366177392.
Genomic context (GRCh38, chr6:155,183,360, plus strand): 5'-AGCAGATGGAGGCCCTGTTTTCTGAGAAGAGCGTCGGACTCACTCTGATTGCCCGGCCTC[C>T]GGACACAAAAGCAACCCTGTGTACATCCTGGTCAGACAGTGACCTGTTCTCCAGGGACCA-3'
Protein context (NP_036586.3, residues 965-985): SVGLTLIARP[Pro975Leu]DTKATLCTSW

ClinVar aggregate classification (germline): Likely benign (1 of 4 stars; one submission).

Allele frequency attached by ClinVar (database versions not stated): gnomAD 0.00001; TOPMed 0.00001.
gnomAD v4.1: 17 of 1,613,286 alleles (0.0011%); highest among the groups gnomAD compares: African/African-American, 0.0027%; no homozygotes.

Submission:

CeGaT Center for Human Genetics Tuebingen
Classification: Likely benign. Last evaluated: 2022-09-01. Review status: criteria provided, single submitter. Criteria: CeGaT Center For Human Genetics Tuebingen Variant Classification Criteria Version 2. Collection method: clinical testing. Allele origin: germline. Affected: yes. Observed: 1 variant allele.
Comment: TIAM2: BP4